The following is an entry in ClinVar:

NM_004415.4(DSP):c.6154C>G (p.Gln2052Glu)

Gene: DSP (desmoplakin; plus strand). Cytogenetic location: 6p24.3.
Variant type: single nucleotide variant.
Coding change: c.6154C>G on transcript NM_004415.4 (MANE Select); coding-DNA position 6154, C replaced by G.
Protein change: p.Gln2052Glu; replaces glutamine 2052 with glutamic acid.
Molecular consequence: missense variant.
Genome position (GRCh38, 1-based): chr6:7,583,416, C>G. VCF-style: chr6-7583416-C-G. GRCh37 (hg19) VCF-style: chr6-7583649-C-G.
Other names: c.4357C>G, p.Gln1453Glu (NM_001008844.3); c.4825C>G, p.Gln1609Glu (NM_001319034.2); short protein forms Q1453E, Q1609E, Q2052E.
Identifiers: ClinVar variation 4278541 (VCV004278541.2).

ClinVar aggregate classification (germline): Uncertain significance. Review status: criteria provided, multiple submitters, no conflicts (2 of 4 stars). 2 submissions from 2 submitters: Uncertain significance (2). Last evaluated 2025-11-06.

Conditions:
Arrhythmogenic cardiomyopathy with wooly hair and keratoderma. Also called: Carvajal syndrome; PALMOPLANTAR KERATODERMA WITH LEFT VENTRICULAR CARDIOMYOPATHY AND WOOLLY HAIR; Dilated cardiomyopathy with woolly hair and keratoderma; Arrhythmogenic cardiomyopathy with woolly hair and keratoderma. Identifiers: Orphanet 65282, MedGen C1854063, MONDO:0011581, OMIM 605676.
Arrhythmogenic right ventricular dysplasia 8 (ARVD8). Also called: Arrhythmogenic Right Ventricular Dysplasia/Cardiomyopathy 8; ARRHYTHMOGENIC RIGHT VENTRICULAR DYSPLASIA, FAMILIAL, 8; ARRHYTHMOGENIC RIGHT VENTRICULAR CARDIOMYOPATHY 8. Identifiers: MedGen C1843896, MONDO:0011831, OMIM 607450.

Submissions (2):

Labcorp Genetics (formerly Invitae), Labcorp
Classification: Uncertain significance for Arrhythmogenic cardiomyopathy with wooly hair and keratoderma; Arrhythmogenic right ventricular dysplasia 8. Last evaluated: 2025-11-06. Review status: criteria provided, single submitter. Criteria: Invitae Variant Classification Sherloc (09022015). Collection method: clinical testing. Allele origin: germline.
Comment: This sequence change replaces glutamine, which is neutral and polar, with glutamic acid, which is acidic and polar, at codon 2052 of the DSP protein (p.Gln2052Glu). This variant is not present in population databases (gnomAD no frequency). This variant has not been reported in the literature in individuals affected with DSP-related conditions. ClinVar contains an entry for this variant (Variation ID: 4278541). An algorithm developed to predict the effect of missense changes on protein structure and function (PolyPhen-2) suggests that this variant is likely to be disruptive. In summary, the available evidence is currently insufficient to determine the role of this variant in disease. Therefore, it has been classified as a Variant of Uncertain Significance.

GeneDx
Classification: Uncertain significance. Last evaluated: 2025-04-04. Review status: criteria provided, single submitter. Criteria: GeneDx Variant Classification Process June 2021. Collection method: clinical testing. Allele origin: germline. Affected: yes.
Comment: Not observed at significant frequency in large population cohorts (gnomAD); In silico analysis supports that this missense variant has a deleterious effect on protein structure/function; Has not been previously published as pathogenic or benign to our knowledge